The following is an entry in ClinVar:

NM_001127511.3(APC):c.166-28585C>A

Gene: APC (APC regulator of Wnt signaling pathway; plus strand). Cytogenetic location: 5q22.2.
Variant type: single nucleotide variant.
Coding change: c.166-28585C>A on transcript NM_001127511.3; 28585 bases into the intron before coding-DNA position 166, C replaced by A.
Molecular consequence: intron variant.
Genome position (GRCh38, 1-based): chr5:112,737,741, C>A. VCF-style: chr5-112737741-C-A. GRCh37 (hg19) VCF-style: chr5-112073438-C-A.
Other names: c.-1053-17132C>A (NM_001407470.1, NM_001407472.1); c.-18-17132C>A (NM_001407447.1, NM_001354895.2, NM_001407456.1 and 7 more transcripts); c.166-28585C>A (NM_001407446.1, NM_001354897.2, NM_001354902.2); c.-42-28585C>A (NM_001407453.1).
Identifiers: ClinVar variation 3033675 (VCV003033675.2), dbSNP rs766814193, ClinGen allele CA124951727.

ClinVar aggregate classification (germline): Likely benign (0 of 4 stars; one submission).

Conditions:
APC-related disorder. Also called: APC-related condition.

gnomAD v4.1: 28 of 717,406 alleles (0.0039%); highest among the groups gnomAD compares: African/African-American, 0.05%; no homozygotes.

Submission:

PreventionGenetics, part of Exact Sciences
Classification: Likely benign for APC-related condition. Last evaluated: 2019-06-20. Review status: no assertion criteria provided. Collection method: clinical testing. Allele origin: germline.
Comment: This variant is classified as likely benign based on ACMG/AMP sequence variant interpretation guidelines (Richards et al. 2015 PMID: 25741868, with internal and published modifications).